The following is an entry in ClinVar:

NC_000020.11:g.25294968T>C

Genes: ABHD12 (abhydrolase domain containing 12, lysophospholipase; minus strand), PYGB (glycogen phosphorylase B; plus strand). Cytogenetic location: 20p11.21.
Variant type: single nucleotide variant.
Molecular consequence: intron variant (on NM_002862.4). On other transcripts: 3 prime UTR variant (1).
Genome position: GRCh38 VCF-style: chr20-25294968-T-C. GRCh37 (hg19) VCF-style: chr20-25275604-T-C.
Other names: c.*5A>G (NM_015600.5); c.2313-636T>C (NM_002862.4).
Identifiers: ClinVar variation 3036409 (VCV003036409.2), dbSNP rs752183281, ClinGen allele CA9795637.

ClinVar aggregate classification (germline): Likely benign (0 of 4 stars; one submission).

Conditions:
ABHD12-related disorder. Also called: ABHD12-related condition.

Allele frequency attached by ClinVar (database versions not stated): TOPMed 0.00002; gnomAD exomes 0.00003; gnomAD 0.00001; ExAC 0.00002.
gnomAD v4.1: 18 of 1,614,074 alleles (0.0011%); highest among the groups gnomAD compares: Admixed American, 0.028%; no homozygotes.

Submission:

PreventionGenetics, part of Exact Sciences
Classification: Likely benign for ABHD12-related condition. Last evaluated: 2020-06-17. Review status: no assertion criteria provided. Collection method: clinical testing. Allele origin: germline.
Comment: This variant is classified as likely benign based on ACMG/AMP sequence variant interpretation guidelines (Richards et al. 2015 PMID: 25741868, with internal and published modifications).